The following is an entry in ClinVar:

ClinVar aggregate classification (germline): Uncertain significance. Review status: criteria provided, multiple submitters, no conflicts (2 of 4 stars). 3 submissions from 3 submitters: Uncertain significance (3). Last evaluated 2022-09-16.

Conditions:
Dilated cardiomyopathy 1G (CMD1G). Identifiers: Orphanet 154, MedGen C1858763, MONDO:0011400, OMIM 604145.
Hypertrophic cardiomyopathy 9. Also called: Familial hypertrophic cardiomyopathy 9. Identifiers: MedGen C1861065, MONDO:0013412, OMIM 613765.

Allele frequency attached by ClinVar (database versions not stated): TOPMed 0.00002; ESP Exome Variant Server 0.00008.
gnomAD v4.1: 17 of 1,613,840 alleles (0.0011%); highest among the groups gnomAD compares: Non-Finnish European, 0.00034%; no homozygotes.

Submissions (3):

New York Genome Center
Classification: Uncertain significance for Hypertrophic cardiomyopathy 9; Dilated cardiomyopathy 1G. Last evaluated: 2022-09-16. Review status: criteria provided, single submitter. Criteria: NYGC Assertion Criteria 2020. Collection method: clinical testing. Allele origin: germline. Observed: 1 heterozygote.

CeGaT Center for Human Genetics Tuebingen
Classification: Uncertain significance. Last evaluated: 2022-03-01. Review status: criteria provided, single submitter. Criteria: CeGaT Center For Human Genetics Tuebingen Variant Classification Criteria Version 2. Collection method: clinical testing. Allele origin: germline. Affected: yes. Observed: 1 variant allele.

Biesecker Lab/Clinical Genomics Section, National Institutes of Health
Classification: Uncertain significance. Last evaluated: 2013-06-24. Review status: criteria provided, single submitter. Criteria: Ng et al. (Circ Cardiovasc Genet. 2013). Collection method: research. Allele origin: unknown. Observed: 1 variant allele. Study: ClinSeq.
Comment: The study set was not selected for affection status in relation to any cancer. Pathogenicity categories were based on literature curation. See Pubmed ID:23861362 for details.

Medical sequencing

NM_001267550.2(TTN):c.3476G>T (p.Arg1159Leu)

Gene: TTN (titin; minus strand). Cytogenetic location: 2q31.2.
Variant type: single nucleotide variant.
Coding change: c.3476G>T on transcript NM_001267550.2 (MANE Select); coding-DNA position 3476, G replaced by T.
Protein change: p.Arg1159Leu; replaces arginine 1159 with leucine.
Molecular consequence: missense variant.
Genome position (GRCh38, 1-based): chr2:178,781,168, C>A on the plus strand (G>T on the coding strand, the complement: TTN is on the minus strand). VCF-style: chr2-178781168-C-A. GRCh37 (hg19) VCF-style: chr2-179645895-C-A.
Other names: c.3476G>T, p.Arg1159Leu (NM_133378.4, NM_001256850.1, NM_133379.5); c.3338G>T, p.Arg1113Leu (NM_003319.4, NM_133432.3, NM_133437.4); short protein forms R1159L, R1113L.
Identifiers: ClinVar variation 192089 (VCV000192089.26), dbSNP rs149883066, ClinGen allele CA238304.
Genomic context (GRCh38, chr2:178,781,168, plus strand): 5'-GAGTTGCACTTACCTTCTTCAAGCAAGGAAGCAGATGCAGAAGTTTCTCCATGCTTATTG[C>A]GAACAACAATAGTGTATTCTCCAGCATCATCAGCAAAAGTCATAGAAATCACCAGCTTGC-3'
Protein context (NP_001254479.2, residues 1149-1169): DDAGEYTIVV[Arg1159Leu]NKHGETSASA